The following is an entry in ClinVar:

NC_000006.12:g.109465658C>T

Genes: MICAL1 (microtubule associated monooxygenase, calponin and LIM domain containing 1; minus strand), ZBTB24 (zinc finger and BTB domain containing 24; minus strand). Cytogenetic location: 6q21.
Variant type: single nucleotide variant.
Molecular consequence: 3 prime UTR variant (on NM_014797.3). On other transcripts: intron variant (1).
Genome position: GRCh38 VCF-style: chr6-109465658-C-T. GRCh37 (hg19) VCF-style: chr6-109786861-C-T.
Other names: c.*193G>A (NM_014797.3); c.14+6G>A (NM_001286613.2).
Identifiers: ClinVar variation 2968838 (VCV002968838.3), dbSNP rs772392427, ClinGen allele CA3953933.
Genomic context (GRCh38, chr6:109,465,658, plus strand): 5'-ATGAGACATTGCAGATTAAAATGAAAACCATTCAATAATATTGAAATGCTCAATACAAAT[C>T]AGTACCTTAGACAAGACATACACACATCTTGCTACCTGGATGGAGGGCATTATAAACATC-3'

ClinVar aggregate classification (germline): Uncertain significance (1 of 4 stars; one submission).

Allele frequency attached by ClinVar (database versions not stated): gnomAD 0.00002; gnomAD exomes 0.00003; TOPMed 0.00002; ExAC 0.00008.
gnomAD v4.1: 40 of 1,569,192 alleles (0.0025%); highest among the groups gnomAD compares: Non-Finnish European, 0.0034%; no homozygotes.

Submission:

Labcorp Genetics (formerly Invitae), Labcorp
Classification: Uncertain significance. Last evaluated: 2023-07-14. Review status: criteria provided, single submitter. Criteria: Invitae Variant Classification Sherloc (09022015). Collection method: clinical testing. Allele origin: germline.
Comment: This sequence change falls in intron 1 of the MICAL1 gene. It does not directly change the encoded amino acid sequence of the MICAL1 protein. It affects a nucleotide within the consensus splice site. This variant is present in population databases (rs772392427, gnomAD 0.004%). This variant has not been reported in the literature in individuals affected with MICAL1-related conditions. Variants that disrupt the consensus splice site are a relatively common cause of aberrant splicing (PMID: 17576681, 9536098). Algorithms developed to predict the effect of sequence changes on RNA splicing suggest that this variant is not likely to affect RNA splicing. In summary, the available evidence is currently insufficient to determine the role of this variant in disease. Therefore, it has been classified as a Variant of Uncertain Significance.

Literature cited by the submitters: PubMed 17576681; PubMed 9536098.